The following is an entry in ClinVar:

ClinVar aggregate classification (germline): Uncertain significance (1 of 4 stars; one submission).

Conditions:
Hereditary spastic paraplegia 3A (SPG3A). Also called: SPASTIC PARAPLEGIA 3, AUTOSOMAL DOMINANT; FAMILIAL SPASTIC PARAPLEGIA, AUTOSOMAL DOMINANT, 1; SPG3; STRUMPELL DISEASE; Spastic Paraplegia 3A; Spastic paraplegia 3A, autosomal dominant. Identifiers: Orphanet 100984, MedGen C2931355, MONDO:0008437, OMIM 182600.

Allele frequency attached by ClinVar (database versions not stated): gnomAD 0.00001; gnomAD exomes 0.00001; ExAC 0.00002; 1000 Genomes Project 30x 0.00016; 1000 Genomes Project 0.00020.
gnomAD v4.1: 9 of 1,613,894 alleles (0.00056%); highest among the groups gnomAD compares: South Asian, 0.0088%; no homozygotes.

Submission:

Labcorp Genetics (formerly Invitae), Labcorp
Classification: Uncertain significance for Hereditary spastic paraplegia 3A. Last evaluated: 2023-06-19. Review status: criteria provided, single submitter. Criteria: Invitae Variant Classification Sherloc (09022015). Collection method: clinical testing. Allele origin: germline.
Comment: In summary, the available evidence is currently insufficient to determine the role of this variant in disease. Therefore, it has been classified as a Variant of Uncertain Significance. Algorithms developed to predict the effect of sequence changes on RNA splicing suggest that this variant may disrupt the consensus splice site. This variant has not been reported in the literature in individuals affected with ATL1-related conditions. This variant is present in population databases (rs533376430, gnomAD 0.02%). This sequence change falls in intron 7 of the ATL1 gene. It does not directly change the encoded amino acid sequence of the ATL1 protein.

NM_015915.5(ATL1):c.724-9T>G

Gene: ATL1 (atlastin GTPase 1; plus strand). Cytogenetic location: 14q22.1.
Variant type: single nucleotide variant.
Coding change: c.724-9T>G on transcript NM_015915.5 (MANE Select); 9 bases into the intron before coding-DNA position 724, T replaced by G.
Molecular consequence: intron variant.
Genome position (GRCh38, 1-based): chr14:50,614,364, T>G. VCF-style: chr14-50614364-T-G. GRCh37 (hg19) VCF-style: chr14-51081082-T-G.
Other names: c.724-9T>G (NM_001127713.1, NM_181598.4).
Identifiers: ClinVar variation 2996452 (VCV002996452.3), dbSNP rs533376430, ClinGen allele CA7180337.